The following is an entry in ClinVar:

ClinVar aggregate classification (germline): Likely pathogenic. Review status: criteria provided, multiple submitters, no conflicts (2 of 4 stars). 2 submissions from 2 submitters: Likely pathogenic (2). Last evaluated 2025-09-15.

Conditions:
CEP290-related disorder. Also called: CEP290-related condition; CEP290-related disorders. Identifiers: MedGen CN239314.
Leber congenital amaurosis (LCA). Also called: Leber's amaurosis. Identifiers: Orphanet 65, MedGen C0339527, MeSH D057130, MONDO:0018998.

Submissions (2):

PreventionGenetics, part of Exact Sciences
Classification: Likely pathogenic for CEP290-related condition. Last evaluated: 2025-09-15. Review status: criteria provided, single submitter. Criteria: ACMG Guidelines, 2015. Collection method: clinical testing. Allele origin: germline.
Comment: The CEP290 c.2383_2386delGAAA variant is predicted to result in a frameshift and premature protein termination (p.Glu795Lysfs*3). To our knowledge, this variant has not been reported in the literature in individuals with CEP290-related disorders. This variant is reported in 0.0065% of alleles in individuals of European (Non-Finnish) descent in gnomAD. Frameshift variants in CEP290 are expected to be pathogenic. This variant is interpreted as likely pathogenic.

Natera, Inc.
Classification: Likely pathogenic for Leber congenital amaurosis. Last evaluated: 2024-05-06. Review status: criteria provided, single submitter. Criteria: Natera Variant Classification Schema (03/2026). Collection method: clinical testing. Allele origin: germline.
Comment: The c.2383_2386del variant in CEP290 is a frameshift variant predicted to shift the reading frame beginning at codon 795 and leads to a stop codon 3 codons downstream. This variant is expected to result in nonsense mediated decay, truncation, or a dysfunctional protein product. This variant is rare in the general population with a frequency below the threshold expected for the associated phenotype(s). Given the available evidence, this variant is classified as Likely Pathogenic.

NM_025114.4(CEP290):c.2383_2386del (p.Glu795fs)

Gene: CEP290 (centrosomal protein 290; minus strand). Cytogenetic location: 12q21.32.
Variant type: Deletion.
Coding change: c.2383_2386del on transcript NM_025114.4 (MANE Select); coding-DNA positions 2383 to 2386, 4 bases deleted (GAAA; older notation c.2383_2386delGAAA).
Protein change: p.Glu795fs; shifts the reading frame from glutamic acid 795.
Molecular consequence: frameshift variant.
Genome position (GRCh38, 1-based): chr12:88,109,163-88,109,166, TTTC deleted on the plus strand (GAAA on the coding strand, the reverse complement: CEP290 is on the minus strand); deleting any 4 consecutive bases within chr12:88,109,163-88,109,169 gives the same sequence; the c. name uses the placement nearest the transcript's 3' end. VCF-style (leftmost placement, unchanged base first): chr12-88109162-TTTTC-T. GRCh37 (hg19) VCF-style: chr12-88502939-TTTTC-T.
Other names: c.2383_2386delGAAA (NM_025114.3); short protein forms E795fs.
Identifiers: ClinVar variation 4816197 (VCV004816197.2).